The following is an entry in ClinVar:

NM_004329.3(BMPR1A):c.146C>T (p.Thr49Ile)

Gene: BMPR1A (bone morphogenetic protein receptor type 1A; plus strand). Cytogenetic location: 10q23.2.
Variant type: single nucleotide variant.
Coding change: c.146C>T on transcript NM_004329.3 (MANE Select); coding-DNA position 146, C replaced by T.
Protein change: p.Thr49Ile; replaces threonine 49 with isoleucine.
Molecular consequence: missense variant.
Genome position (GRCh38, 1-based): chr10:86,890,140, C>T. VCF-style: chr10-86890140-C-T. GRCh37 (hg19) VCF-style: chr10-88649897-C-T.
Other names: short protein forms T49I.
Identifiers: ClinVar variation 819311 (VCV000819311.9), dbSNP rs1589763385, ClinGen allele CA377446669.

ClinVar aggregate classification (germline): Uncertain significance. Review status: criteria provided, multiple submitters, no conflicts (2 of 4 stars). 2 submissions from 2 submitters: Uncertain significance (2). Last evaluated 2022-09-30.

Conditions:
Juvenile polyposis syndrome (JPS). Identifiers: Orphanet 2929, MedGen C0345893, MONDO:0017380, OMIM 174900.
Hereditary cancer-predisposing syndrome. Also called: Hereditary Cancer Syndrome; Neoplastic Syndromes, Hereditary; Hereditary neoplastic syndrome; Tumor predisposition. Identifiers: Orphanet 140162, MedGen C0027672, MeSH D009386, MONDO:0015356.

Submissions (2):

Labcorp Genetics (formerly Invitae), Labcorp
Classification: Uncertain significance for Juvenile polyposis syndrome. Last evaluated: 2022-09-30. Review status: criteria provided, single submitter. Criteria: Invitae Variant Classification Sherloc (09022015). Collection method: clinical testing. Allele origin: germline.
Comment: In summary, the available evidence is currently insufficient to determine the role of this variant in disease. Therefore, it has been classified as a Variant of Uncertain Significance. Advanced modeling of protein sequence and biophysical properties (such as structural, functional, and spatial information, amino acid conservation, physicochemical variation, residue mobility, and thermodynamic stability) performed at Invitae indicates that this missense variant is not expected to disrupt BMPR1A protein function. ClinVar contains an entry for this variant (Variation ID: 819311). This variant has not been reported in the literature in individuals affected with BMPR1A-related conditions. This variant is not present in population databases (gnomAD no frequency). This sequence change replaces threonine, which is neutral and polar, with isoleucine, which is neutral and non-polar, at codon 49 of the BMPR1A protein (p.Thr49Ile).

Ambry Genetics
Classification: Uncertain significance for Hereditary cancer-predisposing syndrome. Last evaluated: 2019-02-20. Review status: criteria provided, single submitter. Criteria: Ambry Variant Classification Scheme 2023. Collection method: clinical testing. Allele origin: germline.
Comment: The p.T49I variant (also known as c.146C>T), located in coding exon 2 of the BMPR1A gene, results from a C to T substitution at nucleotide position 146. The threonine at codon 49 is replaced by isoleucine, an amino acid with similar properties. This amino acid position is highly conserved in available vertebrate species. In addition, this alteration is predicted to be deleterious by in silico analysis. Since supporting evidence is limited at this time, the clinical significance of this alteration remains unclear.